The following is an entry in ClinVar:

NM_001903.5(CTNNA1):c.989G>A (p.Arg330His)

Gene: CTNNA1 (catenin alpha 1; plus strand). Cytogenetic location: 5q31.2.
Variant type: single nucleotide variant.
Coding change: c.989G>A on transcript NM_001903.5 (MANE Select); coding-DNA position 989, G replaced by A.
Protein change: p.Arg330His; replaces arginine 330 with histidine.
Molecular consequence: missense variant.
Genome position (GRCh38, 1-based): chr5:138,827,645, G>A. VCF-style: chr5-138827645-G-A. GRCh37 (hg19) VCF-style: chr5-138163334-G-A.
Other names: c.989G>A, p.Arg330His (NM_001290307.3, NM_001323982.2, NM_001323983.1 and 3 more transcripts); c.680G>A, p.Arg227His (NM_001290309.3); c.620G>A, p.Arg207His (NM_001290310.3); short protein forms R330H, R227H, R207H.
Identifiers: ClinVar variation 642396 (VCV000642396.12), dbSNP rs376523339, ClinGen allele CA3431601.

ClinVar aggregate classification (germline): Uncertain significance. Review status: criteria provided, multiple submitters, no conflicts (2 of 4 stars). 2 submissions from 2 submitters: Uncertain significance (2). Last evaluated 2025-01-17.

Conditions:
Hereditary cancer-predisposing syndrome. Also called: Neoplastic Syndromes, Hereditary; Tumor predisposition; Hereditary neoplastic syndrome; Hereditary Cancer Syndrome. Identifiers: Orphanet 140162, MedGen C0027672, MeSH D009386, MONDO:0015356.

Allele frequency attached by ClinVar (database versions not stated): gnomAD exomes below 0.00001; TOPMed below 0.00001; ExAC 0.00001; ESP Exome Variant Server 0.00008.

Submissions (2):

Labcorp Genetics (formerly Invitae), Labcorp
Classification: Uncertain significance. Last evaluated: 2025-01-17. Review status: criteria provided, single submitter. Criteria: Invitae Variant Classification Sherloc (09022015). Collection method: clinical testing. Allele origin: germline.
Comment: This sequence change replaces arginine, which is basic and polar, with histidine, which is basic and polar, at codon 330 of the CTNNA1 protein (p.Arg330His). This variant is present in population databases (rs376523339, gnomAD 0.007%). This variant has not been reported in the literature in individuals affected with CTNNA1-related conditions. ClinVar contains an entry for this variant (Variation ID: 642396). Invitae Evidence Modeling of protein sequence and biophysical properties (such as structural, functional, and spatial information, amino acid conservation, physicochemical variation, residue mobility, and thermodynamic stability) indicates that this missense variant is not expected to disrupt CTNNA1 protein function with a negative predictive value of 80%. In summary, the available evidence is currently insufficient to determine the role of this variant in disease. Therefore, it has been classified as a Variant of Uncertain Significance.

Ambry Genetics
Classification: Uncertain significance for Hereditary cancer-predisposing syndrome. Last evaluated: 2024-04-26. Review status: criteria provided, single submitter. Criteria: Ambry Variant Classification Scheme 2023. Collection method: clinical testing. Allele origin: germline.
Comment: The p.R330H variant (also known as c.989G>A), located in coding exon 6 of the CTNNA1 gene, results from a G to A substitution at nucleotide position 989. The arginine at codon 330 is replaced by histidine, an amino acid with highly similar properties. This amino acid position is highly conserved in available vertebrate species. In addition, this alteration is predicted to be deleterious by in silico analysis. The evidence for this gene-disease relationship is limited; therefore, the clinical significance of this alteration is unclear.